The following is an entry in ClinVar:

ClinVar aggregate classification (germline): Uncertain significance (1 of 4 stars; one submission).

Conditions:
Pierpont syndrome (PRPTS). Identifiers: Orphanet 487825, MedGen C1865644, MONDO:0011213, OMIM 602342.

Allele frequency attached by ClinVar (database versions not stated): ExAC 0.00001; gnomAD exomes 0.00001; TOPMed 0.00001; ESP Exome Variant Server 0.00008.

Submission:

Labcorp Genetics (formerly Invitae), Labcorp
Classification: Uncertain significance for Pierpont syndrome. Last evaluated: 2024-05-01. Review status: criteria provided, single submitter. Criteria: Invitae Variant Classification Sherloc (09022015). Collection method: clinical testing. Allele origin: germline.
Comment: This sequence change replaces methionine, which is neutral and non-polar, with threonine, which is neutral and polar, at codon 148 of the TBL1XR1 protein (p.Met148Thr). This variant is present in population databases (rs375312919, gnomAD 0.002%). This variant has not been reported in the literature in individuals affected with TBL1XR1-related conditions. ClinVar contains an entry for this variant (Variation ID: 955489). Advanced modeling of protein sequence and biophysical properties (such as structural, functional, and spatial information, amino acid conservation, physicochemical variation, residue mobility, and thermodynamic stability) performed at Invitae indicates that this missense variant is not expected to disrupt TBL1XR1 protein function with a negative predictive value of 95%. In summary, the available evidence is currently insufficient to determine the role of this variant in disease. Therefore, it has been classified as a Variant of Uncertain Significance.

NM_024665.7(TBL1XR1):c.443T>C (p.Met148Thr)

Gene: TBL1XR1 (TBL1X/Y related 1; minus strand). Cytogenetic location: 3q26.32.
Variant type: single nucleotide variant.
Coding change: c.443T>C on transcript NM_024665.7 (MANE Select); coding-DNA position 443, T replaced by C.
Protein change: p.Met148Thr; replaces methionine 148 with threonine.
Molecular consequence: missense variant.
Genome position (GRCh38, 1-based): chr3:177,050,595, A>G on the plus strand (T>C on the coding strand, the complement: TBL1XR1 is on the minus strand). VCF-style: chr3-177050595-A-G. GRCh37 (hg19) VCF-style: chr3-176768383-A-G.
Other names: c.443T>C, p.Met148Thr (NM_001321193.3, NM_001321194.3, NM_001374327.1 and 2 more transcripts); c.182T>C, p.Met61Thr (NM_001321195.3, NM_001374330.1); short protein forms M148T, M61T.
Identifiers: ClinVar variation 955489 (VCV000955489.9), dbSNP rs375312919, ClinGen allele CA2709966.